The following is an entry in ClinVar:

NM_001267550.2(TTN):c.99102G>C (p.Trp33034Cys)

Genes: TTN (titin; minus strand), TTN-AS1 (TTN antisense RNA 1; plus strand). Cytogenetic location: 2q31.2.
Variant type: single nucleotide variant.
Coding change: c.99102G>C on transcript NM_001267550.2 (MANE Select); coding-DNA position 99102, G replaced by C.
Protein change: p.Trp33034Cys; replaces tryptophan 33034 with cysteine.
Molecular consequence: missense variant. On other transcripts: non-coding transcript variant (1).
Genome position (GRCh38, 1-based): chr2:178,538,727, C>G on the plus strand (G>C on the coding strand, the complement: TTN is on the minus strand). VCF-style: chr2-178538727-C-G. GRCh37 (hg19) VCF-style: chr2-179403454-C-G.
Other names: p.W31393C:TGG>TGC; c.94179G>C, p.Trp31393Cys (NM_001256850.1); c.91398G>C, p.Trp30466Cys (NM_133378.4); c.71907G>C, p.Trp23969Cys (NM_003319.4); c.72282G>C, p.Trp24094Cys (NM_133432.3); c.72483G>C, p.Trp24161Cys (NM_133437.4); short protein forms W33034C, W30466C, W31393C, W24094C, W24161C, W23969C.
Identifiers: ClinVar variation 47612 (VCV000047612.25), dbSNP rs397517778, ClinGen allele CA141498.

ClinVar aggregate classification (germline): Likely benign. Review status: criteria provided, multiple submitters, no conflicts (2 of 4 stars). 8 submissions from 8 submitters: Likely benign (8). Last evaluated 2026-03-27.

Conditions:
TTN-related disorder. Also called: TTN-related condition; TTN-related disease; TTN-related disorders.
Cardiovascular phenotype. Identifiers: MedGen CN230736.
Autosomal recessive limb-girdle muscular dystrophy type 2J (LGMDR10). Also called: Limb-girdle muscular dystrophy, type 2J; MUSCULAR DYSTROPHY, LIMB-GIRDLE, AUTOSOMAL RECESSIVE 10. Identifiers: Orphanet 140922, MedGen C1837342, MONDO:0012127, OMIM 608807.
Dilated cardiomyopathy 1G (CMD1G). Identifiers: Orphanet 154, MedGen C1858763, MONDO:0011400, OMIM 604145.

Allele frequency attached by ClinVar (database versions not stated): gnomAD 0.00004 and 0.00007; TOPMed 0.00005; gnomAD exomes 0.00006 and 0.00027; ExAC 0.00021; 1000 Genomes Project 30x 0.00109; 1000 Genomes Project 0.00120.
gnomAD v4.1: 98 of 1,613,730 alleles (0.0061%); highest among the groups gnomAD compares: East Asian, 0.2%; 1 homozygote.

Submissions (8):

Molecular Diagnostic Laboratory for Inherited Cardiovascular Disease, Montreal Heart Institute
Classification: Likely benign. Last evaluated: 2026-03-27. Review status: criteria provided, single submitter. Criteria: ACMG Guidelines, 2015. Collection method: clinical testing. Allele origin: germline. Affected: no.
Comment: BS1;BP1

Labcorp Genetics (formerly Invitae), Labcorp
Classification: Likely benign for Dilated cardiomyopathy 1G; Autosomal recessive limb-girdle muscular dystrophy type 2J. Last evaluated: 2026-02-03. Review status: criteria provided, single submitter. Criteria: Invitae Variant Classification Sherloc (09022015). Collection method: clinical testing. Allele origin: germline.

PreventionGenetics, part of Exact Sciences
Classification: Likely benign for TTN-related condition. Last evaluated: 2025-08-06. Review status: criteria provided, single submitter. Criteria: ACMG Guidelines, 2015. Collection method: clinical testing. Allele origin: germline.
Comment: This variant is classified as likely benign based on ACMG/AMP sequence variant interpretation guidelines (Richards et al. 2015 PMID: 25741868, with internal and published modifications).

Blueprint Genetics
Classification: Likely benign. Last evaluated: 2024-09-12. Review status: criteria provided, single submitter. Criteria: ACMG Guidelines, 2015. Collection method: clinical testing. Allele origin: germline.

Ambry Genetics
Classification: Likely benign for Cardiovascular phenotype. Last evaluated: 2019-07-27. Review status: criteria provided, single submitter. Criteria: Ambry Variant Classification Scheme 2023. Collection method: clinical testing. Allele origin: germline.

GeneDx
Classification: Likely benign. Last evaluated: 2019-07-23. Review status: criteria provided, single submitter. Criteria: GeneDx Variant Classification Process June 2021. Collection method: clinical testing. Allele origin: germline. Affected: yes.
Comment: This variant is associated with the following publications: (PMID: 23861362)

Eurofins Ntd Llc (ga)
Classification: Likely benign. Last evaluated: 2017-11-17. Review status: criteria provided, single submitter. Criteria: EGL Classification Definitions 2015. Collection method: clinical testing. Allele origin: germline. Observed: 1 variant allele, 1 heterozygote.

Laboratory for Molecular Medicine, Mass General Brigham Personalized Medicine
Classification: Likely benign. Last evaluated: 2015-01-19. Review status: criteria provided, single submitter. Criteria: LMM Criteria. Collection method: clinical testing. Allele origin: germline. Observed: 2 variant alleles.
Comment: p.Trp30466Cys in exon 303 of TTN: This variant is not expected to have clinical significance because it has been identified in 0.3% (25/8738) of East Asian chr omosomes by the Exome Aggregation Consortium (ExAC, rg; dbSNP rs397517778).